The following is an entry in ClinVar:

ClinVar aggregate classification (germline): Likely benign. Review status: criteria provided, multiple submitters, no conflicts (2 of 4 stars). 2 submissions from 2 submitters: Likely benign (2). Last evaluated 2026-04-21.

Conditions:
ATP6V0A2-related disorder. Also called: ATP6V0A2-related condition.
ALG9 congenital disorder of glycosylation (CDG1L). Also called: CDG Il; CONGENITAL DISORDER OF GLYCOSYLATION, TYPE Il; ALG9-CDG. Identifiers: Orphanet 79328, MedGen C2931006, MONDO:0012117, OMIM 608776.

gnomAD v4.1: 17 of 1,614,070 alleles (0.0011%); highest among the groups gnomAD compares: African/African-American, 0.0027%; no homozygotes.

Submissions (2):

PreventionGenetics, part of Exact Sciences
Classification: Likely benign for ATP6V0A2-related condition. Last evaluated: 2026-04-21. Review status: criteria provided, single submitter. Criteria: ACMG Guidelines, 2015. Collection method: clinical testing. Allele origin: germline.
Comment: This variant is classified as likely benign based on ACMG/AMP sequence variant interpretation guidelines (Richards et al. 2015 PMID: 25741868, with internal and published modifications).

Labcorp Genetics (formerly Invitae), Labcorp
Classification: Likely benign for ALG9 congenital disorder of glycosylation. Last evaluated: 2025-12-16. Review status: criteria provided, single submitter. Criteria: Invitae Variant Classification Sherloc (09022015). Collection method: clinical testing. Allele origin: germline.

NM_012463.4(ATP6V0A2):c.1146C>T (p.Ile382=)

Gene: ATP6V0A2 (ATPase H+ transporting V0 subunit a2; plus strand). Cytogenetic location: 12q24.31.
Variant type: single nucleotide variant.
Coding change: c.1146C>T on transcript NM_012463.4 (MANE Select); coding-DNA position 1146, C replaced by T.
Protein change: p.Ile382=; no amino-acid change (isoleucine 382 retained).
Molecular consequence: synonymous variant.
Genome position (GRCh38, 1-based): chr12:123,743,892, C>T. VCF-style: chr12-123743892-C-T. GRCh37 (hg19) VCF-style: chr12-124228439-C-T.
Other names: c.1146C>T (NM_012463.3).
Identifiers: ClinVar variation 4743686 (VCV004743686.2).